The following is an entry in ClinVar:

ClinVar aggregate classification (germline): Likely pathogenic (0 of 4 stars; one submission).

Conditions:
Familial hemophagocytic lymphohistiocytosis 3 (FHL3). Also called: UNC13D-Related Familial Hemophagocytic Lymphohistiocytosis (UNC13D-fHLH). Identifiers: Orphanet 540, MedGen C1837174, MONDO:0012146, OMIM 608898.

Submission:

Clinical laboratory, Wuhan Children’s Hospital, Tongji Medical College, Huazhong University of Science and Technology
Classification: Likely pathogenic for Familial hemophagocytic lymphohistiocytosis 3. Last evaluated: 2017-01-16. Review status: no assertion criteria provided. Collection method: clinical testing, in vitro. Allele origin: inherited, not applicable. Inheritance: Autosomal recessive inheritance. Affected: yes. Observed: 1 variant allele, 1 compound heterozygote.

NM_199242.3(UNC13D):c.1299-1G>A

Gene: UNC13D (unc-13 homolog D; minus strand). Cytogenetic location: 17q25.1.
Variant type: single nucleotide variant.
Coding change: c.1299-1G>A on transcript NM_199242.3 (MANE Select); the canonical splice acceptor site of the intron before coding-DNA position 1299, G replaced by A.
Molecular consequence: splice acceptor variant.
Genome position (GRCh38, 1-based): chr17:75,836,430, C>T on the plus strand (G>A on the coding strand, the complement: UNC13D is on the minus strand). VCF-style: chr17-75836430-C-T. GRCh37 (hg19) VCF-style: chr17-73832511-C-T.
Identifiers: ClinVar variation 440775 (VCV000440775.2), dbSNP rs1555601863, ClinGen allele CA401100012.